The following is an entry in ClinVar:

NM_000494.4(COL17A1):c.4050del (p.Ala1351fs)

Gene: COL17A1 (collagen type XVII alpha 1 chain; minus strand). Cytogenetic location: 10q25.1.
Variant type: Deletion.
Coding change: c.4050del on transcript NM_000494.4 (MANE Select); coding-DNA position 4050, one base deleted (A; older notation c.4050delA).
Protein change: p.Ala1351fs; shifts the reading frame from alanine 1351.
Molecular consequence: frameshift variant.
Genome position (GRCh38, 1-based): chr10:104,034,051, T deleted on the plus strand (A on the coding strand, the reverse complement: COL17A1 is on the minus strand). VCF-style (leftmost placement, unchanged base first): chr10-104034050-CT-C. GRCh37 (hg19) VCF-style: chr10-105793808-CT-C.
Other names: c.4050del, p.Ala1351fs (LRG_1249t1); short protein forms A1351fs.
Identifiers: ClinVar variation 280329 (VCV000280329.3), dbSNP rs886041555, ClinGen allele CA10603215.
Genomic context (GRCh38, chr10:104,034,050, plus strand): 5'-GATCTCCAGCAAAGTCAGCTCCCAATAGTCCGCCATTGCCAGCATACATGCCGCCTTCTG[CT>C]GCTGCCCCATAGCCTCCGCCTGGGCCGATGTCAGTGCCATAGGGACCCCTGTCTCCTGCA-3'

ClinVar aggregate classification (germline): Pathogenic. Review status: criteria provided, multiple submitters, no conflicts (2 of 4 stars). 2 submissions from 2 submitters: Pathogenic (2). Last evaluated 2024-04-04.

Conditions:
Epidermolysis bullosa, junctional 4, intermediate. Also called: Epidermolysis bullosa, junctional, localisata variant; EPIDERMOLYSIS BULLOSA, JUNCTIONAL 4, NON-HERLITZ TYPE; EPIDERMOLYSIS BULLOSA, GENERALIZED ATROPHIC BENIGN. Identifiers: MedGen C2608084, MONDO:0030750, OMIM 619787.

Submissions (2):

Genomic Medicine Center of Excellence, King Faisal Specialist Hospital and Research Centre
Classification: Pathogenic for Epidermolysis bullosa, junctional 4, intermediate. Last evaluated: 2024-04-04. Review status: criteria provided, single submitter. Criteria: ACMG Guidelines, 2015. Collection method: clinical testing. Allele origin: germline.

GeneDx
Classification: Pathogenic. Last evaluated: 2017-07-14. Review status: criteria provided, single submitter. Criteria: GeneDx Variant Classification (06012015). Collection method: clinical testing. Allele origin: germline. Affected: yes.
Comment: The c.4050delA variant in the COL17A1 gene has not been reported previously as a pathogenic variant nor as a benign variant, to our knowledge. The c.4050delA variant causes a frameshift starting with codon Alanine 1351, changes this amino acid to a Glutamine residue, and creates a premature Stop codon at position 28 of the new reading frame, denoted p.Ala1351GlnfsX28. This variant is predicted to cause loss of normal protein function either through protein truncation or nonsense-mediated mRNA decay. The c.4050delA variant was not observed in approximately 6500 individuals of European and African American ancestry in the NHLBI Exome Sequencing Project, indicating it is not a common benign variant in these populations. We interpret c.4050delA as a pathogenic variant.